The following is an entry in ClinVar:

ClinVar aggregate classification (germline): Uncertain significance. Review status: criteria provided, multiple submitters, no conflicts (2 of 4 stars). 3 submissions from 3 submitters: Uncertain significance (3). Last evaluated 2025-07-10.

Conditions:
Spermatogenic failure 18. Identifiers: MedGen C4539783, MONDO:0054615, OMIM 617576.
Ciliary dyskinesia, primary, 37 (CILD37). Also called: CILIARY DYSKINESIA, PRIMARY, 37, WITH OR WITHOUT SITUS INVERSUS. Identifiers: MedGen C4539798, MONDO:0033204, OMIM 617577.

Allele frequency attached by ClinVar (database versions not stated): gnomAD exomes 0.00002 and 0.00003; ESP Exome Variant Server 0.00008; gnomAD 0.00008; TOPMed below 0.00001; ExAC 0.00005.
gnomAD v4.1: 50 of 1,613,902 alleles (0.0031%); highest among the groups gnomAD compares: Non-Finnish European, 0.0036%; no homozygotes.

Submissions (3):

Labcorp Genetics (formerly Invitae), Labcorp
Classification: Uncertain significance for Ciliary dyskinesia, primary, 37; Spermatogenic failure 18. Last evaluated: 2025-07-10. Review status: criteria provided, single submitter. Criteria: Invitae Variant Classification Sherloc (09022015). Collection method: clinical testing. Allele origin: germline.
Comment: This sequence change replaces alanine, which is neutral and non-polar, with threonine, which is neutral and polar, at codon 1193 of the DNAH1 protein (p.Ala1193Thr). This variant is present in population databases (rs376032415, gnomAD 0.01%). This variant has not been reported in the literature in individuals affected with DNAH1-related conditions. ClinVar contains an entry for this variant (Variation ID: 663157). Invitae Evidence Modeling of protein sequence and biophysical properties (such as structural, functional, and spatial information, amino acid conservation, physicochemical variation, residue mobility, and thermodynamic stability) indicates that this missense variant is not expected to disrupt DNAH1 protein function with a negative predictive value of 80%. In summary, the available evidence is currently insufficient to determine the role of this variant in disease. Therefore, it has been classified as a Variant of Uncertain Significance.

Mayo Clinic Laboratories, Mayo Clinic
Classification: Uncertain significance. Last evaluated: 2025-03-06. Review status: criteria provided, single submitter. Criteria: ACMG Guidelines, 2015. Collection method: clinical testing. Allele origin: germline. Observed: 1 variant allele.
Comment: BP4_moderate

Ambry Genetics
Classification: Uncertain significance. Last evaluated: 2023-10-02. Review status: criteria provided, single submitter. Criteria: Ambry Variant Classification Scheme 2023. Collection method: clinical testing. Allele origin: germline.

NM_015512.5(DNAH1):c.3577G>A (p.Ala1193Thr)

Gene: DNAH1 (dynein axonemal heavy chain 1; plus strand). Cytogenetic location: 3p21.1.
Variant type: single nucleotide variant.
Coding change: c.3577G>A on transcript NM_015512.5 (MANE Select); coding-DNA position 3577, G replaced by A.
Protein change: p.Ala1193Thr; replaces alanine 1193 with threonine.
Molecular consequence: missense variant.
Genome position (GRCh38, 1-based): chr3:52,354,939, G>A. VCF-style: chr3-52354939-G-A. GRCh37 (hg19) VCF-style: chr3-52388955-G-A.
Other names: p.Ala1193Thr; short protein forms A1193T.
Identifiers: ClinVar variation 663157 (VCV000663157.6), dbSNP rs376032415, ClinGen allele CA2433616.